The following is an entry in ClinVar:

NM_000282.4(PCCA):c.1086del (p.Glu362fs)

Gene: PCCA (propionyl-CoA carboxylase subunit alpha; plus strand). Cytogenetic location: 13q32.3.
Variant type: Deletion.
Coding change: c.1086del on transcript NM_000282.4 (MANE Select); coding-DNA position 1086, one base deleted (A; older notation c.1086delA).
Protein change: p.Glu362fs; shifts the reading frame from glutamic acid 362.
Molecular consequence: frameshift variant. On other transcripts: non-coding transcript variant (5), intron variant (3).
Genome position (GRCh38, 1-based): chr13:100,301,480, A deleted; the last of 2 consecutive A bases (chr13:100,301,479-100,301,480); deleting either gives the same sequence. VCF-style (leftmost placement, unchanged base first): chr13-100301478-GA-G. GRCh37 (hg19) VCF-style: chr13-100953732-GA-G.
Other names: c.1066-1444del (NM_001352606.2); c.121-1444del (NM_001352612.2); c.988-1444del (NM_001352608.2); c.1008del, p.Glu336fs (NM_001127692.3, NM_001352607.2); c.1086del, p.Glu362fs (NM_001178004.2, NM_001352605.2, NM_001352609.2); c.141del, p.Glu47fs (NM_001352610.2, NM_001352611.2); short protein forms E336fs, E362fs, E47fs.
Identifiers: ClinVar variation 1724928 (VCV001724928.2), dbSNP rs771730987, ClinGen allele CA7033506.

ClinVar aggregate classification (germline): Likely pathogenic (1 of 4 stars; one submission).

Conditions:
Propionic acidemia (PROP). Also called: GLYCINEMIA, KETOTIC; HYPERGLYCINEMIA WITH KETOACIDOSIS AND LEUKOPENIA; KETOTIC HYPERGLYCINEMIA. Identifiers: Orphanet 35, MedGen C0268579, MONDO:0011628, OMIM 606054, HP:0003571.

Submission:

Myriad Genetics, Inc.
Classification: Likely pathogenic for Propionic acidemia. Last evaluated: 2022-03-03. Review status: criteria provided, single submitter. Criteria: Myriad Women's Health Autosomal Recessive and X-Linked Classification Criteria (2021). Collection method: clinical testing. Allele origin: unknown.
Comment: NM_000282.3(PCCA):c.1086delA(E362Dfs*8) is expected to be pathogenic in the context of PCCA-related propionic acidemia. This variant is predicted to lead to an abnormal or absent protein product due to the creation of a premature termination codon in PCCA, a gene where loss-of-function variants are known to be pathogenic. Please note: this variant was assessed in the context of healthy population screening.